The following is an entry in ClinVar:

ClinVar aggregate classification (germline): Uncertain significance (1 of 4 stars; one submission).

Submission:

Labcorp Genetics (formerly Invitae), Labcorp
Classification: Uncertain significance. Last evaluated: 2026-01-05. Review status: criteria provided, single submitter. Criteria: Invitae Variant Classification Sherloc (09022015). Collection method: clinical testing. Allele origin: germline.
Comment: This sequence change replaces glutamine, which is neutral and polar, with arginine, which is basic and polar, at codon 279 of the ERCC2 protein (p.Gln279Arg). This variant is not present in population databases (gnomAD no frequency). This variant has not been reported in the literature in individuals affected with ERCC2-related conditions. ClinVar contains an entry for this variant (Variation ID: 3693088). Invitae Evidence Modeling of protein sequence and biophysical properties (such as structural, functional, and spatial information, amino acid conservation, physicochemical variation, residue mobility, and thermodynamic stability) indicates that this missense variant is not expected to disrupt ERCC2 protein function with a negative predictive value of 80%. In summary, the available evidence is currently insufficient to determine the role of this variant in disease. Therefore, it has been classified as a Variant of Uncertain Significance.

NM_000400.4(ERCC2):c.836A>G (p.Gln279Arg)

Gene: ERCC2 (ERCC excision repair 2, TFIIH core complex helicase subunit; minus strand). Cytogenetic location: 19q13.32.
Variant type: single nucleotide variant.
Coding change: c.836A>G on transcript NM_000400.4 (MANE Select); coding-DNA position 836, A replaced by G.
Protein change: p.Gln279Arg; replaces glutamine 279 with arginine.
Molecular consequence: missense variant.
Genome position (GRCh38, 1-based): chr19:45,364,099, T>C on the plus strand (A>G on the coding strand, the complement: ERCC2 is on the minus strand). VCF-style: chr19-45364099-T-C. GRCh37 (hg19) VCF-style: chr19-45867357-T-C.
Other names: c.764A>G, p.Gln255Arg (NM_001130867.2); short protein forms Q279R, Q255R.
Identifiers: ClinVar variation 3693088 (VCV003693088.2).